The following is an entry in ClinVar:

ClinVar aggregate classification (somatic clinical impact): Tier I - Strong (1 of 4 stars; one submission).

Conditions:
Alveolar rhabdomyosarcoma (RMS2). Also called: RHABDOMYOSARCOMA 2; Alveolar rhabdomyosarcoma (disease). Identifiers: Orphanet 780, Orphanet 99756, MedGen C0206655, MONDO:0009994, OMIM 268220, HP:0006779.

Submission:

Institute for Genomic Medicine (IGM) Clinical Laboratory, Nationwide Children's Hospital
Classification: Tier I - Strong for Alveolar rhabdomyosarcoma. Assertion type: diagnostic. Clinical significance: supports diagnosis. Last evaluated: 2022-10-24. Review status: criteria provided, single submitter. Criteria: AMP/ASCO/CAP Guidelines, 2017. Collection method: clinical testing. Allele origin: somatic. Affected: yes.
Comment: Variant has Tier I (strong) clinical significance as a diagnostic inclusion criterion in alveolar rhabdomyosarcoma, based on the following evidence: 1) Diagnostic for a specific tumor type/classification based on well-powered studies with expert-level consensus (Evidence Level B; PMIDs: 34166060, 26138366).

Literature cited by the submitters: PubMed 34166060; PubMed 26138366.

NM_001123385.2(BCOR):c.4204G>T (p.Glu1402Ter)

Gene: BCOR (BCL6 corepressor; minus strand). Cytogenetic location: Xp11.4.
Variant type: single nucleotide variant.
Coding change: c.4204G>T on transcript NM_001123385.2 (MANE Select); coding-DNA position 4204, G replaced by T.
Protein change: p.Glu1402Ter; replaces glutamic acid 1402 with a stop codon.
Molecular consequence: nonsense.
Genome position (GRCh38, 1-based): chrX:40,062,363, C>A on the plus strand (G>T on the coding strand, the complement: BCOR is on the minus strand). VCF-style: chrX-40062363-C-A. GRCh37 (hg19) VCF-style: chrX-39921616-C-A.
Other names: c.4102G>T, p.Glu1368Ter (NM_001123383.2, NM_001438208.1, NM_017745.6); c.4048G>T, p.Glu1350Ter (NM_001123384.2); c.4204G>T, p.Glu1402Ter (NM_001437510.1, NM_001437511.1); c.4150G>T, p.Glu1384Ter (NM_001438207.1); short protein forms E1350*, E1368*, E1384*, E1402*.
Identifiers: ClinVar variation 4530154 (VCV004530154.1).